The following is an entry in ClinVar:

NM_001035.3(RYR2):c.12791T>G (p.Leu4264Arg)

Genes: RYR2 (ryanodine receptor 2; plus strand), LOC126806068 (BRD4-independent group 4 enhancer GRCh37_chr1:237947411-237948610; plus strand). Cytogenetic location: 1q43.
Variant type: single nucleotide variant.
Coding change: c.12791T>G on transcript NM_001035.3 (MANE Select); coding-DNA position 12791, T replaced by G.
Protein change: p.Leu4264Arg; replaces leucine 4264 with arginine.
Molecular consequence: missense variant.
Genome position (GRCh38, 1-based): chr1:237,784,503, T>G. VCF-style: chr1-237784503-T-G. GRCh37 (hg19) VCF-style: chr1-237947803-T-G.
Other names: short protein forms L4264R.
Identifiers: ClinVar variation 1343510 (VCV001343510.6), dbSNP rs2149355228, ClinGen allele CA345414204.

ClinVar aggregate classification (germline): Uncertain significance. Review status: criteria provided, multiple submitters, no conflicts (2 of 4 stars). 2 submissions from 2 submitters: Uncertain significance (2). Last evaluated 2022-02-05.

Conditions:
Catecholaminergic polymorphic ventricular tachycardia 1. Also called: VENTRICULAR TACHYCARDIA, CATECHOLAMINERGIC POLYMORPHIC, 1, WITH OR WITHOUT ATRIAL DYSFUNCTION AND/OR DILATED CARDIOMYOPATHY; VENTRICULAR TACHYCARDIA, STRESS-INDUCED POLYMORPHIC 1; RYR2-Related Catecholaminergic Polymorphic Ventricular Tachycardia. Identifiers: Orphanet 3286, MedGen C1631597, MONDO:0011484, OMIM 604772.

Submissions (2):

Women's Health and Genetics/Laboratory Corporation of America, LabCorp
Classification: Uncertain significance. Last evaluated: 2022-02-05. Review status: criteria provided, single submitter. Criteria: LabCorp Variant Classification Summary - May 2015. Collection method: clinical testing. Allele origin: germline.

Labcorp Genetics (formerly Invitae), Labcorp
Classification: Uncertain significance for Catecholaminergic polymorphic ventricular tachycardia 1. Last evaluated: 2021-12-14. Review status: criteria provided, single submitter. Criteria: Invitae Variant Classification Sherloc (09022015). Collection method: clinical testing. Allele origin: germline.
Comment: This variant is not present in population databases (gnomAD no frequency). In summary, the available evidence is currently insufficient to determine the role of this variant in disease. Therefore, it has been classified as a Variant of Uncertain Significance. Advanced modeling of protein sequence and biophysical properties (such as structural, functional, and spatial information, amino acid conservation, physicochemical variation, residue mobility, and thermodynamic stability) performed at Invitae indicates that this missense variant is expected to disrupt RYR2 protein function. This variant has not been reported in the literature in individuals affected with RYR2-related conditions. This sequence change replaces leucine, which is neutral and non-polar, with arginine, which is basic and polar, at codon 4264 of the RYR2 protein (p.Leu4264Arg).